The following is an entry in ClinVar:

NR_002825.2(SIGLEC16):n.837C>T

Gene: SIGLEC16 (sialic acid binding Ig like lectin 16 (gene/pseudogene); plus strand). Cytogenetic location: 19q13.33.
Variant type: single nucleotide variant.
Molecular consequence: synonymous variant (on NM_001348364.2). On other transcripts: non-coding transcript variant (1).
Genome position: GRCh38 VCF-style: chr19-49971150-C-T. GRCh37 (hg19) VCF-style: chr19-50474407-C-T.
Other names: c.739C>T, p.Leu247= (NM_001348364.2).
Identifiers: ClinVar variation 2650297 (VCV002650297.24), dbSNP rs1301105220, ClinGen allele CA508154202.
Genomic context (GRCh38, chr19:49,971,150, plus strand): 5'-ACCCCCACCCTCTCTCTTTCCCTGTCTTCAGCCCTGGAACTCCAGGGAAACGTCATATAT[C>T]TGGAAGTTCAGAAAGGCCAGTTCCTGCGGCTCCTCTGTGCTGCTGACAGCCAGCCCCCTG-3'

ClinVar aggregate classification (germline): Likely benign (1 of 4 stars; one submission).

Submission:

CeGaT Center for Human Genetics Tuebingen
Classification: Likely benign. Last evaluated: 2022-10-01. Review status: criteria provided, single submitter. Criteria: CeGaT Center For Human Genetics Tuebingen Variant Classification Criteria Version 2. Collection method: clinical testing. Allele origin: germline. Affected: yes. Observed: 1 variant allele.
Comment: SIGLEC16: PM2:Supporting, BP4, BP7